The following is an entry in ClinVar:

NM_145059.3(FCSK):c.3020G>T (p.Arg1007Leu)

Gene: FCSK (fucose kinase; plus strand). Cytogenetic location: 16q22.1.
Variant type: single nucleotide variant.
Coding change: c.3020G>T on transcript NM_145059.3 (MANE Select); coding-DNA position 3020, G replaced by T.
Protein change: p.Arg1007Leu; replaces arginine 1007 with leucine.
Molecular consequence: missense variant.
Genome position (GRCh38, 1-based): chr16:70,479,270, G>T. VCF-style: chr16-70479270-G-T. GRCh37 (hg19) VCF-style: chr16-70513173-G-T.
Other names: short protein forms R1007L.
Identifiers: ClinVar variation 2957901 (VCV002957901.3), dbSNP rs201350190, ClinGen allele CA8143848.

ClinVar aggregate classification (germline): Uncertain significance (1 of 4 stars; one submission).

Submission:

Labcorp Genetics (formerly Invitae), Labcorp
Classification: Uncertain significance. Last evaluated: 2023-12-05. Review status: criteria provided, single submitter. Criteria: Invitae Variant Classification Sherloc (09022015). Collection method: clinical testing. Allele origin: germline.
Comment: This sequence change replaces arginine, which is basic and polar, with leucine, which is neutral and non-polar, at codon 1007 of the FUK protein (p.Arg1007Leu). This variant is present in population databases (rs201350190, gnomAD 0.003%). This variant has not been reported in the literature in individuals affected with FUK-related conditions. An algorithm developed to predict the effect of missense changes on protein structure and function (PolyPhen-2) suggests that this variant is likely to be tolerated. In summary, the available evidence is currently insufficient to determine the role of this variant in disease. Therefore, it has been classified as a Variant of Uncertain Significance.